The following is an entry in ClinVar:

ClinVar aggregate classification (germline): Uncertain significance. Review status: criteria provided, multiple submitters, no conflicts (2 of 4 stars). 3 submissions from 3 submitters: Uncertain significance (3). Last evaluated 2024-04-24.

Conditions:
Acrocallosal syndrome (ACLS). Also called: HALLUX DUPLICATION, POSTAXIAL POLYDACTYLY, AND ABSENCE OF CORPUS CALLOSUM; Schinzel syndrome 1; Absence of corpus callosum with unusual facial appearance, mental deficiency, duplication of the halluces and polydactyly. Identifiers: Orphanet 36, MedGen C0796147, MONDO:0008708, OMIM 200990.
Multiple epiphyseal dysplasia, Al-Gazali type. Also called: Macrocephaly with multiple epiphyseal dysplasia and distinctive facies. Identifiers: Orphanet 166024, MedGen C1846722, MONDO:0011778, OMIM 607131.
Hydrolethalus syndrome 2 (HLS2). Identifiers: Orphanet 2189, MedGen C3279899, MONDO:0013585, OMIM 614120.
Inborn genetic diseases. Identifiers: MedGen C0950123, MeSH D030342.

Submissions (3):

Fulgent Genetics
Classification: Uncertain significance for Acrocallosal syndrome; Multiple epiphyseal dysplasia, Al-Gazali type; Hydrolethalus syndrome 2. Last evaluated: 2024-04-24. Review status: criteria provided, single submitter. Criteria: ACMG Guidelines, 2015. Collection method: clinical testing. Allele origin: germline.

Labcorp Genetics (formerly Invitae), Labcorp
Classification: Uncertain significance for Acrocallosal syndrome. Last evaluated: 2023-02-10. Review status: criteria provided, single submitter. Criteria: Invitae Variant Classification Sherloc (09022015). Collection method: clinical testing. Allele origin: germline.
Comment: This variant, c.3624_3629dup, results in the insertion of 2 amino acid(s) of the KIF7 protein (p.Gln1209_Lys1210dup), but otherwise preserves the integrity of the reading frame. This variant is present in population databases (rs752086211, gnomAD 0.02%). This variant has not been reported in the literature in individuals affected with KIF7-related conditions. ClinVar contains an entry for this variant (Variation ID: 1521247). Experimental studies and prediction algorithms are not available or were not evaluated, and the functional significance of this variant is currently unknown. In summary, the available evidence is currently insufficient to determine the role of this variant in disease. Therefore, it has been classified as a Variant of Uncertain Significance.

Ambry Genetics
Classification: Uncertain significance for Inborn genetic diseases. Last evaluated: 2020-12-19. Review status: criteria provided, single submitter. Criteria: Ambry Variant Classification Scheme 2023. Collection method: clinical testing. Allele origin: germline.
Comment: The c.3624_3629dupACAGAA (p.Q1209_K1210dup) alteration is located in exon 18 (coding exon 17) of the KIF7 gene. The alteration consists of an in-frame duplication of 6 nucleotides from position 3624 to 3629, resulting in the duplication of <NA> residues. Based on insufficient or conflicting evidence, the clinical significance of this alteration remains unclear.

NM_198525.3(KIF7):c.3624_3629dup (p.Gln1209_Lys1210dup)

Genes: KIF7 (kinesin family member 7; minus strand), LOC126862216 (BRD4-independent group 4 enhancer GRCh37_chr15:90171995-90173194; plus strand). Cytogenetic location: 15q26.1.
Variant type: Duplication.
Coding change: c.3624_3629dup on transcript NM_198525.3 (MANE Select); coding-DNA positions 3624 to 3629, 6 bases duplicated (ACAGAA; older notation c.3624_3629dupACAGAA).
Protein change: p.Gln1209_Lys1210dup.
Molecular consequence: inframe insertion.
Genome position (GRCh38, 1-based): chr15:89,629,011-89,629,016, TTCTGT duplicated on the plus strand (ACAGAA on the coding strand, the reverse complement: KIF7 is on the minus strand); duplicating any 6 consecutive bases within chr15:89,629,011-89,629,019 gives the same sequence; the c. name uses the placement nearest the transcript's 3' end. VCF-style (leftmost placement, unchanged base first): chr15-89629010-C-CTTCTGT. GRCh37 (hg19) VCF-style: chr15-90172241-C-CTTCTGT.
Other names: c.3624_3629dupACAGAA (NM_198525.2).
Identifiers: ClinVar variation 1521247 (VCV001521247.6), dbSNP rs752086211, ClinGen allele CA7727615.